The following is an entry in ClinVar:

NM_001447.3(FAT2):c.1736T>C (p.Val579Ala)

Gene: FAT2 (FAT atypical cadherin 2; minus strand). Cytogenetic location: 5q33.1.
Variant type: single nucleotide variant.
Coding change: c.1736T>C on transcript NM_001447.3 (MANE Select); coding-DNA position 1736, T replaced by C.
Protein change: p.Val579Ala; replaces valine 579 with alanine.
Molecular consequence: missense variant.
Genome position (GRCh38, 1-based): chr5:151,567,196, A>G on the plus strand (T>C on the coding strand, the complement: FAT2 is on the minus strand). VCF-style: chr5-151567196-A-G. GRCh37 (hg19) VCF-style: chr5-150946757-A-G.
Other names: short protein forms V579A.
Identifiers: ClinVar variation 4847572 (VCV004847572.1).
Genomic context (GRCh38, chr5:151,567,196, plus strand): 5'-TATTTTAGGTTCTGAAGCTCATCCACATCTATGGCTGACATAGTCATTATCGATTTCCCT[A>G]CTGGCCAGTCTTGGCGGATAGACCCTGTACAGTTGACTTCTTCAAACATAGGCTGGTTGT-3'
Protein context (NP_001438.1, residues 569-589): CTGSIRQDWP[Val579Ala]GKSIMTMSAI

ClinVar aggregate classification (germline): Uncertain significance (1 of 4 stars; one submission).

gnomAD v4.1: 4 of 1,614,128 alleles (0.00025%); highest among the groups gnomAD compares: Non-Finnish European, 0.00034%; no homozygotes.

Submission:

Women's Health and Genetics/Laboratory Corporation of America, LabCorp
Classification: Uncertain significance. Last evaluated: 2026-03-02. Review status: criteria provided, single submitter. Criteria: LabCorp Variant Classification Summary - May 2015. Collection method: clinical testing. Allele origin: germline.
Comment: Variant summary: FAT2 c.1736T>C (p.Val579Ala) results in a non-conservative amino acid change in the encoded protein sequence. Algorithms developed to predict the effect of missense changes on protein structure and function are either unavailable or do not agree on the potential impact of this missense change. The variant allele was found at a frequency of 8e-06 in 251346 control chromosomes. The available data on variant occurrences in the general population are insufficient to allow any conclusion about variant significance. To our knowledge, no occurrence of c.1736T>C in individuals affected with FAT2-related conditions and no experimental evidence demonstrating its impact on protein function have been reported. No submitters have cited clinical-significance assessments for this variant to ClinVar. Based on the evidence outlined above, the variant was classified as uncertain significance.